The following is an entry in ClinVar:

NM_017662.5(TRPM6):c.5282G>A (p.Arg1761His)

Gene: TRPM6 (transient receptor potential cation channel subfamily M member 6; minus strand). Cytogenetic location: 9q21.13.
Variant type: single nucleotide variant.
Coding change: c.5282G>A on transcript NM_017662.5 (MANE Select); coding-DNA position 5282, G replaced by A.
Protein change: p.Arg1761His; replaces arginine 1761 with histidine.
Molecular consequence: missense variant.
Genome position (GRCh38, 1-based): chr9:74,739,928, C>T on the plus strand (G>A on the coding strand, the complement: TRPM6 is on the minus strand). VCF-style: chr9-74739928-C-T. GRCh37 (hg19) VCF-style: chr9-77354844-C-T.
Other names: c.5267G>A, p.Arg1756His (NM_001177310.2, NM_001177311.2); c.5282G>A (NM_017662.4); short protein forms R1761H, R1756H.
Identifiers: ClinVar variation 2153347 (VCV002153347.2), dbSNP rs201338939, ClinGen allele CA5083845.

ClinVar aggregate classification (germline): Conflicting classifications of pathogenicity. Review status: criteria provided, conflicting classifications (1 of 4 stars). 2 submissions from 2 submitters: Uncertain significance (1); Likely benign (1). Last evaluated 2022-09-27.

Conditions:
Inborn genetic diseases. Identifiers: MedGen C0950123, MeSH D030342.

Allele frequency attached by ClinVar (database versions not stated): gnomAD 0.00001; TOPMed 0.00002; gnomAD exomes 0.00004; ExAC 0.00012; 1000 Genomes Project 30x 0.00016; 1000 Genomes Project 0.00020.
gnomAD v4.1: 61 of 1,614,122 alleles (0.0038%); highest among the groups gnomAD compares: South Asian, 0.018%; no homozygotes.

Submissions (2):

Ambry Genetics
Classification: Likely benign for Inborn genetic diseases. Last evaluated: 2022-09-27. Review status: criteria provided, single submitter. Criteria: Ambry Variant Classification Scheme 2023. Collection method: clinical testing. Allele origin: germline.

Labcorp Genetics (formerly Invitae), Labcorp
Classification: Uncertain significance. Last evaluated: 2022-04-20. Review status: criteria provided, single submitter. Criteria: Invitae Variant Classification Sherloc (09022015). Collection method: clinical testing. Allele origin: germline.
Comment: This sequence change replaces arginine, which is basic and polar, with histidine, which is basic and polar, at codon 1761 of the TRPM6 protein (p.Arg1761His). This variant is present in population databases (rs201338939, gnomAD 0.04%). This variant has not been reported in the literature in individuals affected with TRPM6-related conditions. Algorithms developed to predict the effect of missense changes on protein structure and function output the following: SIFT: "Tolerated"; PolyPhen-2: "Benign"; Align-GVGD: "Class C0". The histidine amino acid residue is found in multiple mammalian species, which suggests that this missense change does not adversely affect protein function. In summary, the available evidence is currently insufficient to determine the role of this variant in disease. Therefore, it has been classified as a Variant of Uncertain Significance.